The following is an entry in ClinVar:

NC_012920.1(MT-CO2):m.7706G>A

Gene: MT-CO2 (mitochondrially encoded cytochrome c oxidase II; plus strand).
Variant type: single nucleotide variant.
Genome position: chrM-7706-G-A.
Identifiers: ClinVar variation 692764 (VCV000692764.1), dbSNP rs1556423333, ClinGen allele CA414793385.
Genomic context (GRCh38, chrMT:7,706, plus strand): 5'-ATCACCTTTCATGATCACGCCCTCATAATCATTTTCCTTATCTGCTTCCTAGTCCTGTAT[G>A]CCCTTTTCCTAACACTCACAACAAAACTAACTAATACTAACATCTCAGACGCTCAGGAAA-3'

ClinVar aggregate classification (germline): Uncertain significance (1 of 4 stars; one submission).

Conditions:
Leigh syndrome (NULS). Also called: Leigh's necrotizing encephalopathy; Leigh's disease; Leigh Syndrome (mtDNA deletion); Leigh Disease; Subacute necrotizing encephalopathy; Necrotizing encephalopathy infantile subacute of Leigh. Identifiers: Orphanet 506, MedGen C2931891, MONDO:0009723, OMIM 256000.

Submission:

Wong Mito Lab, Molecular and Human Genetics, Baylor College of Medicine
Classification: Uncertain significance for Leigh syndrome. Last evaluated: 2019-10-17. Review status: criteria provided, single submitter. Criteria: Modified ACMG Guidelines (Unpublished). Collection method: clinical testing. Allele origin: germline.
Comment: The NC_012920.1:m.7706G>A (YP_003024029.1:p.Ala41Thr) variant in MTCO2 gene is interpretated to be a Uncertain Significance variant based on the modified ACMG guidelines (unpublished). This variant meets the following evidence codes: PM9, PP6, BS4

Literature cited by the submitters: PubMed 12612282.